The following is an entry in ClinVar:

NM_001363118.2(SLC52A2):c.822C>A (p.Ala274=)

Gene: SLC52A2 (solute carrier family 52 member 2; plus strand). Cytogenetic location: 8q24.3.
Variant type: single nucleotide variant.
Coding change: c.822C>A on transcript NM_001363118.2 (MANE Select); coding-DNA position 822, C replaced by A.
Protein change: p.Ala274=; no amino-acid change (alanine 274 retained).
Molecular consequence: synonymous variant. On other transcripts: non-coding transcript variant (1).
Genome position (GRCh38, 1-based): chr8:144,360,314, C>A. VCF-style: chr8-144360314-C-A. GRCh37 (hg19) VCF-style: chr8-145583974-C-A.
Other names: c.822C>A, p.Ala274= (NM_001253815.2, NM_001253816.2, NM_001363120.2 and 2 more transcripts); c.330C>A, p.Ala110= (NM_001363122.2).
Identifiers: ClinVar variation 667163 (VCV000667163.11), dbSNP rs145009003, ClinGen allele CA4938284.

ClinVar aggregate classification (germline): Likely benign. Review status: criteria provided, multiple submitters, no conflicts (2 of 4 stars). 2 submissions from 2 submitters: Likely benign (2). Last evaluated 2025-10-25.

Conditions:
Brown-Vialetto-van Laere syndrome 2. Also called: SPINOCEREBELLAR ATAXIA WITH BLINDNESS AND DEAFNESS 2; Riboflavin transporter deficiency type 2. Identifiers: Orphanet 572543, Orphanet 97229, MedGen C3553538, MONDO:0013867, OMIM 614707.

Allele frequency attached by ClinVar (database versions not stated): ESP Exome Variant Server 0.00008; 1000 Genomes Project 30x 0.00016; gnomAD exomes 0.00003; gnomAD 0.00011 and 0.00009; ExAC 0.00003; TOPMed 0.00015; 1000 Genomes Project 0.00020.

Submissions (2):

Labcorp Genetics (formerly Invitae), Labcorp
Classification: Likely benign for Brown-Vialetto-van Laere syndrome 2. Last evaluated: 2025-10-25. Review status: criteria provided, single submitter. Criteria: Invitae Variant Classification Sherloc (09022015). Collection method: clinical testing. Allele origin: germline.

Laboratory for Molecular Medicine, Mass General Brigham Personalized Medicine
Classification: Likely benign. Last evaluated: 2017-08-23. Review status: criteria provided, single submitter. Criteria: LMM Criteria. Collection method: clinical testing. Allele origin: germline. Observed: 1 variant allele.
Comment: p.Ala274Ala in exon 3 of SLC52A2: This variant is not expected to have clinical significance because it does not alter an amino acid residue and is not located within the splice consensus sequence. It has been identified in 0.02% (2/10074) of African chromosomes by the Exome Aggregation Consortium (ExAC; dbSNP rs145009003).